The following is an entry in ClinVar:

ClinVar aggregate classification (germline): Conflicting classifications of pathogenicity. Review status: criteria provided, conflicting classifications (1 of 4 stars). 4 submissions from 4 submitters: Uncertain significance (2); Likely benign (1). 1 of the submissions does not count toward it. Last evaluated 2025-08-20.

Conditions:
EHHADH-related disorder. Also called: EHHADH-related condition.

Allele frequency attached by ClinVar (database versions not stated): ExAC 0.00011; ESP Exome Variant Server 0.00015; gnomAD exomes 0.00015 and 0.00018; 1000 Genomes Project 30x 0.00016; gnomAD 0.00018; 1000 Genomes Project 0.00020; TOPMed 0.00020.
gnomAD v4.1: 288 of 1,614,188 alleles (0.018%); highest among the groups gnomAD compares: East Asian, 0.11%; no homozygotes.

Submissions (4):

Ambry Genetics
Classification: Uncertain significance. Last evaluated: 2025-08-20. Review status: criteria provided, single submitter. Criteria: Ambry Variant Classification Scheme 2023. Collection method: clinical testing. Allele origin: germline.

Laboratory of Genetics, Children's Clinical University Hospital Latvia
Classification: Likely benign. Last evaluated: 2025-02-16. Review status: criteria provided, single submitter. Criteria: ACMG Guidelines, 2015. Collection method: clinical testing. Allele origin: germline. Affected: yes.

Eurofins Ntd Llc (ga)
Classification: Uncertain significance. Last evaluated: 2017-08-22. Review status: criteria provided, single submitter. Criteria: EGL Classification Definitions 2015. Collection method: clinical testing. Allele origin: germline. Observed: 1 variant allele, 1 heterozygote.

PreventionGenetics, part of Exact Sciences
Classification: Likely benign for EHHADH-related condition. Last evaluated: 2024-08-19. Review status: no assertion criteria provided. Collection method: clinical testing. Allele origin: germline. Not counted in ClinVar's aggregate classification.
Comment: This variant is classified as likely benign based on ACMG/AMP sequence variant interpretation guidelines (Richards et al. 2015 PMID: 25741868, with internal and published modifications).

NM_001966.4(EHHADH):c.1414G>A (p.Val472Ile)

Gene: EHHADH (enoyl-CoA hydratase and 3-hydroxyacyl CoA dehydrogenase; minus strand). Cytogenetic location: 3q27.2.
Variant type: single nucleotide variant.
Coding change: c.1414G>A on transcript NM_001966.4 (MANE Select); coding-DNA position 1414, G replaced by A.
Protein change: p.Val472Ile; replaces valine 472 with isoleucine.
Molecular consequence: missense variant.
Genome position (GRCh38, 1-based): chr3:185,192,984, C>T on the plus strand (G>A on the coding strand, the complement: EHHADH is on the minus strand). VCF-style: chr3-185192984-C-T. GRCh37 (hg19) VCF-style: chr3-184910772-C-T.
Other names: c.1126G>A, p.Val376Ile (NM_001166415.2); c.1414G>A (NM_001966.3); short protein forms V472I, V376I.
Identifiers: ClinVar variation 593763 (VCV000593763.10), dbSNP rs138187022, ClinGen allele CA2738976.
Genomic context (GRCh38, chr3:185,192,984, plus strand): 5'-CCTGATTGTAGTAAGGATTCAACATTCGATTCCCCACAAATCCAAAACAGTTGCCTACAA[C>T]GACTCCAATCTTTTTAATCTTTTTTGATAAGTTCATAACAGTGGCAATGGTAGTGGGGGA-3'
Protein context (NP_001957.2, residues 462-482): LSKKIKKIGV[Val472Ile]VGNCFGFVGN